The following is an entry in ClinVar:

ClinVar aggregate classification (germline): Uncertain significance (1 of 4 stars; one submission).

Submission:

Greenwood Genetic Center Diagnostic Laboratories, Greenwood Genetic Center
Classification: Uncertain significance. Last evaluated: 2022-09-21. Review status: criteria provided, single submitter. Criteria: ACMG Guidelines, 2015. Collection method: clinical testing. Allele origin: germline. Affected: yes.
Comment: PM2

NM_001197104.2(KMT2A):c.7639C>A (p.Pro2547Thr)

Gene: KMT2A (lysine methyltransferase 2A; plus strand). Cytogenetic location: 11q23.3.
Variant type: single nucleotide variant.
Coding change: c.7639C>A on transcript NM_001197104.2 (MANE Select); coding-DNA position 7639, C replaced by A.
Protein change: p.Pro2547Thr; replaces proline 2547 with threonine.
Molecular consequence: missense variant.
Genome position (GRCh38, 1-based): chr11:118,503,531, C>A. VCF-style: chr11-118503531-C-A. GRCh37 (hg19) VCF-style: chr11-118374246-C-A.
Other names: c.7729C>A, p.Pro2577Thr (NM_001412597.1); c.7630C>A, p.Pro2544Thr (NM_005933.4); short protein forms P2544T, P2547T, P2577T.
Identifiers: ClinVar variation 1710414 (VCV001710414.3), dbSNP rs1950534979, ClinGen allele CA382806295.